The following is an entry in ClinVar:

NM_004586.3(RPS6KA3):c.295A>C (p.Met99Leu)

Gene: RPS6KA3 (ribosomal protein S6 kinase A3; minus strand). Cytogenetic location: Xp22.12.
Variant type: single nucleotide variant.
Coding change: c.295A>C on transcript NM_004586.3 (MANE Select); coding-DNA position 295, A replaced by C.
Protein change: p.Met99Leu; replaces methionine 99 with leucine.
Molecular consequence: missense variant.
Genome position (GRCh38, 1-based): chrX:20,204,052, T>G on the plus strand (A>C on the coding strand, the complement: RPS6KA3 is on the minus strand). VCF-style: chrX-20204052-T-G. GRCh37 (hg19) VCF-style: chrX-20222170-T-G.
Other names: short protein forms M99L.
Identifiers: ClinVar variation 3908049 (VCV003908049.1).

ClinVar aggregate classification (germline): Uncertain significance (1 of 4 stars; one submission).

Submission:

GeneDx
Classification: Uncertain significance. Last evaluated: 2024-12-30. Review status: criteria provided, single submitter. Criteria: GeneDx Variant Classification Process June 2021. Collection method: clinical testing. Allele origin: germline. Affected: yes.
Comment: Not observed at significant frequency in large population cohorts (gnomAD); In silico analysis supports that this missense variant has a deleterious effect on protein structure/function; Has not been previously published as pathogenic or benign to our knowledge